The following is an entry in ClinVar:

NM_006071.2(PKDREJ):c.5688G>A (p.Leu1896=)

Gene: PKDREJ (polycystin family receptor for egg jelly; minus strand). Cytogenetic location: 22q13.31.
Variant type: single nucleotide variant.
Coding change: c.5688G>A on transcript NM_006071.2 (MANE Select); coding-DNA position 5688, G replaced by A.
Protein change: p.Leu1896=; no amino-acid change (leucine 1896 retained).
Molecular consequence: synonymous variant.
Genome position (GRCh38, 1-based): chr22:46,257,635, C>T on the plus strand (G>A on the coding strand, the complement: PKDREJ is on the minus strand). VCF-style: chr22-46257635-C-T. GRCh37 (hg19) VCF-style: chr22-46653532-C-T.
Identifiers: ClinVar variation 2653299 (VCV002653299.24), dbSNP rs149976030, ClinGen allele CA10289574.

ClinVar aggregate classification (germline): Likely benign (1 of 4 stars; one submission).

Allele frequency attached by ClinVar (database versions not stated): ExAC 0.00120; ESP Exome Variant Server 0.00254; gnomAD 0.00259; TOPMed 0.00288; 1000 Genomes Project 0.00399; 1000 Genomes Project 30x 0.00422.

Submission:

CeGaT Center for Human Genetics Tuebingen
Classification: Likely benign. Last evaluated: 2022-12-01. Review status: criteria provided, single submitter. Criteria: CeGaT Center For Human Genetics Tuebingen Variant Classification Criteria Version 2. Collection method: clinical testing. Allele origin: germline. Affected: yes. Observed: 1 variant allele.
Comment: PKDREJ: BP4, BP7